The following is an entry in ClinVar:

ClinVar aggregate classification (germline): Uncertain significance (1 of 4 stars; one submission).

Conditions:
Mucopolysaccharidosis, MPS-III-C (MPS3C). Also called: MPS IIIC (Sanfilippo Syndrome Type C); MUCOPOLYSACCHARIDOSIS, TYPE IIIC; Mucopolysaccharidosis type IIIC (Sanfilippo C); mucopolysaccharidosis type 3C; SANFILIPPO SYNDROME C; MPS III C. Identifiers: Orphanet 581, Orphanet 79271, MedGen C0086649, MONDO:0009657, OMIM 252930.
Retinitis pigmentosa 73 (RP73). Identifiers: Orphanet 791, MedGen C4225287, MONDO:0014687, OMIM 616544.

Submission:

Labcorp Genetics (formerly Invitae), Labcorp
Classification: Uncertain significance for Retinitis pigmentosa 73; Mucopolysaccharidosis, MPS-III-C. Last evaluated: 2022-08-29. Review status: criteria provided, single submitter. Criteria: Invitae Variant Classification Sherloc (09022015). Collection method: clinical testing. Allele origin: germline.
Comment: In summary, the available evidence is currently insufficient to determine the role of this variant in disease. Therefore, it has been classified as a Variant of Uncertain Significance. Advanced modeling of protein sequence and biophysical properties (such as structural, functional, and spatial information, amino acid conservation, physicochemical variation, residue mobility, and thermodynamic stability) performed at Invitae indicates that this missense variant is expected to disrupt HGSNAT protein function. ClinVar contains an entry for this variant (Variation ID: 966802). This variant has not been reported in the literature in individuals affected with HGSNAT-related conditions. This variant is not present in population databases (gnomAD no frequency). This sequence change replaces cysteine, which is neutral and slightly polar, with serine, which is neutral and polar, at codon 151 of the HGSNAT protein (p.Cys151Ser).

NM_152419.3(HGSNAT):c.452G>C (p.Cys151Ser)

Gene: HGSNAT (heparan-alpha-glucosaminide N-acetyltransferase; plus strand). Cytogenetic location: 8p11.21.
Variant type: single nucleotide variant.
Coding change: c.452G>C on transcript NM_152419.3 (MANE Select); coding-DNA position 452, G replaced by C.
Protein change: p.Cys151Ser; replaces cysteine 151 with serine.
Molecular consequence: missense variant. On other transcripts: 5 prime UTR variant (1).
Genome position (GRCh38, 1-based): chr8:43,159,003, G>C. VCF-style: chr8-43159003-G-C. GRCh37 (hg19) VCF-style: chr8-43014146-G-C.
Other names: c.452G>C, p.Cys151Ser (NM_001363227.2, NM_001363228.2); c.-382G>C (NM_001363229.2); short protein forms C151S.
Identifiers: ClinVar variation 966802 (VCV000966802.6), dbSNP rs1803184135, ClinGen allele CA371115625.
Genomic context (GRCh38, chr8:43,159,003, plus strand): 5'-AATTTGGAAACTATTCTCTCTTGGTAAAGAACATCCATAATGGAGTTAGTGAAATTGCCT[G>C]TGACCTGGCTGTGAACGAGGATCCAGTTGATAGTAACCTTCGTACGTATATGTTCTCTGC-3'
Protein context (NP_689632.2, residues 141-161): NIHNGVSEIA[Cys151Ser]DLAVNEDPVD